The following is an entry in ClinVar:

ClinVar aggregate classification (germline): Uncertain significance. Review status: criteria provided, single submitter (1 of 4 stars). 2 submissions from 2 submitters: Uncertain significance (1). 1 of the submissions does not count toward it. Last evaluated 2024-10-22.

Conditions:
Global developmental delay (DD). Also called: Cognitive delay. Identifiers: MedGen C0557874, HP:0001263. Disease mechanism: loss of function.
Fetal growth restriction (IUGR). Also called: Intrauterine growth restriction; Intra uterine growth retardation; Intrauterine growth retardation. Identifiers: MedGen C0015934, MONDO:0005030, HP:0001511.
Lactic acidosis. Identifiers: MedGen C0001125, MONDO:0006040, HP:0003128.

Allele frequency attached by ClinVar (database versions not stated): gnomAD exomes 0.00001 and 0.00003; ExAC 0.00004.
gnomAD v4.1: 17 of 1,614,132 alleles (0.0011%); highest among the groups gnomAD compares: South Asian, 0.019%; no homozygotes.

Submissions (2):

Women's Health and Genetics/Laboratory Corporation of America, LabCorp
Classification: Uncertain significance. Last evaluated: 2024-10-22. Review status: criteria provided, single submitter. Criteria: LabCorp Variant Classification Summary - May 2015. Collection method: clinical testing. Allele origin: germline.
Comment: Variant summary: NGLY1 c.758G>T (p.Cys253Phe) results in a non-conservative amino acid change in the encoded protein sequence. Four of five in-silico tools predict a damaging effect of the variant on protein function. The variant allele was found at a frequency of 2.8e-05 in 251302 control chromosomes. c.758G>T has been reported in the literature in individuals affected with Neurological and Developmental Disorder. These data indicate that the variant may be associated with disease. To our knowledge, no experimental evidence demonstrating an impact on protein function has been reported. The following publication have been ascertained in the context of this evaluation (PMID: 32581362). ClinVar contains an entry for this variant (Variation ID: 812762). Based on the evidence outlined above, the variant was classified as VUS-possibly pathogenic.

NIHR Bioresource Rare Diseases, University of Cambridge
Classification: Uncertain significance for Lactic acidosis; Fetal growth restriction; Global developmental delay. Last evaluated: 2020-08-01. Review status: no assertion criteria provided. Collection method: research. Allele origin: unknown. Affected: yes. Observed: 1 variant allele. Not counted in ClinVar's aggregate classification.
Comment: Following functional testing and clinical review, the variant has been reclassified as VUS.

Literature cited by the submitters: PubMed 32581362 (cited by Women's Health and Genetics/Laboratory Corporation of America, LabCorp and NIHR Bioresource Rare Diseases, University of Cambridge).

NM_018297.4(NGLY1):c.758G>T (p.Cys253Phe)

Gene: NGLY1 (N-glycanase 1; minus strand). Cytogenetic location: 3p24.2.
Variant type: single nucleotide variant.
Coding change: c.758G>T on transcript NM_018297.4 (MANE Select); coding-DNA position 758, G replaced by T.
Protein change: p.Cys253Phe; replaces cysteine 253 with phenylalanine.
Molecular consequence: missense variant.
Genome position (GRCh38, 1-based): chr3:25,739,700, C>A on the plus strand (G>T on the coding strand, the complement: NGLY1 is on the minus strand). VCF-style: chr3-25739700-C-A. GRCh37 (hg19) VCF-style: chr3-25781191-C-A.
Other names: c.758G>T, p.Cys253Phe (NM_001145293.2, NM_001145295.2); c.632G>T, p.Cys211Phe (NM_001145294.2); short protein forms C253F, C211F.
Identifiers: ClinVar variation 812762 (VCV000812762.5), dbSNP rs771354261, ClinGen allele CA2289388.
Genomic context (GRCh38, chr3:25,739,700, plus strand): 5'-CACTTCAGCTCATCATCACTGGGCAGTAATGATCTATCTCTAGACCTAGTCTGTCCACCA[C>A]ATTTGCTGCACAAAACGTTATTCACCCAGTGAAAAAATTCTTCCTTAAACCAGTGCAAAA-3'
Protein context (NP_060767.2, residues 243-263): HWVNNVLCSK[Cys253Phe]GGQTRSRDRS